The following is an entry in ClinVar:

NM_170682.4(P2RX2):c.468T>C (p.Thr156=)

Gene: P2RX2 (purinergic receptor P2X 2; plus strand). Cytogenetic location: 12q24.33.
Variant type: single nucleotide variant.
Coding change: c.468T>C on transcript NM_170682.4 (MANE Select); coding-DNA position 468, T replaced by C.
Protein change: p.Thr156=; no amino-acid change (threonine 156 retained).
Molecular consequence: synonymous variant. On other transcripts: intron variant (1).
Genome position (GRCh38, 1-based): chr12:132,620,010, T>C. VCF-style: chr12-132620010-T-C. GRCh37 (hg19) VCF-style: chr12-133196596-T-C.
Other names: p.Thr156=; c.468T>C, p.Thr156= (NM_001282165.2, NM_170683.4, NM_174873.3); c.252T>C, p.Thr84= (NM_012226.5); c.396T>C, p.Thr132= (NM_016318.4); c.192T>C, p.Thr64= (NM_174872.3); c.386-25T>C (NM_001282164.2).
Identifiers: ClinVar variation 226984 (VCV000226984.19), dbSNP rs7964634, ClinGen allele CA6891518.

ClinVar aggregate classification (germline): Benign. Review status: criteria provided, multiple submitters, no conflicts (2 of 4 stars). 7 submissions from 7 submitters: Benign (7). Last evaluated 2026-02-04.

Conditions:
Autosomal dominant nonsyndromic hearing loss 41. Also called: Deafness, autosomal dominant 41. Identifiers: Orphanet 90635, MedGen C1842371, MONDO:0011994, OMIM 608224.

Allele frequency attached by ClinVar (database versions not stated): ESP Exome Variant Server 0.65433; gnomAD 0.67117 and 0.67274; TOPMed 0.68948; 1000 Genomes Project 0.71286; 1000 Genomes Project 30x 0.71736.

Submissions (7):

Labcorp Genetics (formerly Invitae), Labcorp
Classification: Benign. Last evaluated: 2026-02-04. Review status: criteria provided, single submitter. Criteria: Invitae Variant Classification Sherloc (09022015). Collection method: clinical testing. Allele origin: germline.

Genome-Nilou Lab
Classification: Benign for Autosomal dominant nonsyndromic hearing loss 41. Last evaluated: 2021-09-05. Review status: criteria provided, single submitter. Criteria: ACMG Guidelines, 2015. Collection method: clinical testing. Allele origin: germline. Affected: no.

Mayo Clinic Laboratories, Mayo Clinic
Classification: Benign. Last evaluated: 2020-08-28. Review status: criteria provided, single submitter. Criteria: ACMG Guidelines, 2015. Collection method: clinical testing. Allele origin: germline. Observed: 139 variant alleles.

GeneDx
Classification: Benign. Last evaluated: 2017-05-09. Review status: criteria provided, single submitter. Criteria: GeneDx Variant Classification (06012015). Collection method: clinical testing. Allele origin: germline. Affected: yes.
Comment: This variant is considered likely benign or benign based on one or more of the following criteria: it is a conservative change, it occurs at a poorly conserved position in the protein, it is predicted to be benign by multiple in silico algorithms, and/or has population frequency not consistent with disease.

Eurofins Ntd Llc (ga)
Classification: Benign. Last evaluated: 2017-01-23. Review status: criteria provided, single submitter. Criteria: EGL Classification Definitions 2015. Collection method: clinical testing. Allele origin: germline. Observed: 2 variant alleles, 1 heterozygote, 1 homozygote.

Laboratory for Molecular Medicine, Mass General Brigham Personalized Medicine
Classification: Benign. Last evaluated: 2014-11-24. Review status: criteria provided, single submitter. Criteria: LMM Criteria. Collection method: clinical testing. Allele origin: germline. Observed: 904 variant alleles.
Comment: Thr156Thr in exon 5 of P2RX2: This variant is not expected to have clinical sign ificance because it does not alter an amino acid residue and is not located with in the splice consensus sequence. It has been identified in 41.8% (3583/8564) of European American chromosomes from a broad population by the NHLBI Exome Sequen cing Project (dbSNP rs7964634).

Breakthrough Genomics
Classification: Benign. Review status: criteria provided, single submitter. Criteria: ACMG Guidelines, 2015. Collection method: not provided. Allele origin: germline. Inheritance: Autosomal dominant inheritance. Affected: yes.